The following is an entry in ClinVar:

NM_024422.6(DSC2):c.669A>G (p.Pro223=)

Gene: DSC2 (desmocollin 2; minus strand). Cytogenetic location: 18q12.1.
Variant type: single nucleotide variant.
Coding change: c.669A>G on transcript NM_024422.6 (MANE Select); coding-DNA position 669, A replaced by G.
Protein change: p.Pro223=; no amino-acid change (proline 223 retained).
Molecular consequence: synonymous variant.
Genome position (GRCh38, 1-based): chr18:31,087,775, T>C on the plus strand (A>G on the coding strand, the complement: DSC2 is on the minus strand). VCF-style: chr18-31087775-T-C. GRCh37 (hg19) VCF-style: chr18-28667738-T-C.
Other names: c.669A>G (NM_024422.4); c.669A>G, p.Pro223= (NM_004949.5).
Identifiers: ClinVar variation 518843 (VCV000518843.22), dbSNP rs923697621, ClinGen allele CA297640641.

ClinVar aggregate classification (germline): Conflicting classifications of pathogenicity. Review status: criteria provided, conflicting classifications (1 of 4 stars). 7 submissions from 7 submitters: Uncertain significance (1); Likely benign (6). Last evaluated 2025-12-02.

Conditions:
Familial isolated arrhythmogenic right ventricular dysplasia. Identifiers: Orphanet 217656, MedGen C4274968, MONDO:0016342.
Cardiovascular phenotype. Identifiers: MedGen CN230736.
Cardiomyopathy (CMYO). Also called: Cardiomyopathies. Identifiers: Orphanet 167848, MedGen C0878544, MONDO:0004994, HP:0001638. Inheritance: Various modes of inheritance.
Arrhythmogenic right ventricular dysplasia 11. Also called: Arrhythmogenic Right Ventricular Dysplasia/Cardiomyopathy11; Arrhythmogenic right ventricular dysplasia 11 with mild palmoplantar keratoderma and woolly hair; ARRHYTHMOGENIC RIGHT VENTRICULAR DYSPLASIA, FAMILIAL, 11. Identifiers: MedGen C1864850, MONDO:0012506, OMIM 610476.

Allele frequency attached by ClinVar (database versions not stated): gnomAD exomes 0.00002; gnomAD 0.00003 and 0.00004; TOPMed 0.00003.
gnomAD v4.1: 29 of 1,613,808 alleles (0.0018%); highest among the groups gnomAD compares: African/African-American, 0.0067%; no homozygotes.

Submissions (7):

Labcorp Genetics (formerly Invitae), Labcorp
Classification: Likely benign for Arrhythmogenic right ventricular dysplasia 11. Last evaluated: 2025-12-02. Review status: criteria provided, single submitter. Criteria: Invitae Variant Classification Sherloc (09022015). Collection method: clinical testing. Allele origin: germline.

Molecular Diagnostic Laboratory for Inherited Cardiovascular Disease, Montreal Heart Institute
Classification: Likely benign. Last evaluated: 2025-07-24. Review status: criteria provided, single submitter. Criteria: ACMG Guidelines, 2015. Collection method: clinical testing. Allele origin: germline. Affected: no.

All of Us Research Program, National Institutes of Health
Classification: Likely benign for Familial isolated arrhythmogenic right ventricular dysplasia. Last evaluated: 2024-07-20. Review status: criteria provided, single submitter. Criteria: ACMG Guidelines, 2015. Collection method: clinical testing. Allele origin: germline. Inheritance: Autosomal dominant inheritance. Observed: 5 variant alleles, 5 heterozygotes.
Comment: This study involves interpretation of variants in research participants for the purpose of population health screening. Participant phenotype was not available at the time of variant classification. Additional details can be found in publication PMID: 35346344, PMCID: PMC8962531

Blueprint Genetics
Classification: Likely benign. Last evaluated: 2024-01-24. Review status: criteria provided, single submitter. Criteria: ACMG Guidelines, 2015. Collection method: clinical testing. Allele origin: germline.

Color Diagnostics, LLC DBA Color Health
Classification: Likely benign for Cardiomyopathy. Last evaluated: 2018-12-03. Review status: criteria provided, single submitter. Criteria: ACMG Guidelines, 2015. Collection method: clinical testing. Allele origin: germline.

Ambry Genetics
Classification: Likely benign for Cardiovascular phenotype. Last evaluated: 2017-03-08. Review status: criteria provided, single submitter. Criteria: Ambry Variant Classification Scheme 2023. Collection method: clinical testing. Allele origin: germline.

CHEO Genetics Diagnostic Laboratory, Children's Hospital of Eastern Ontario
Classification: Uncertain significance for Cardiomyopathy. Last evaluated: 2016-01-25. Review status: criteria provided, single submitter. Criteria: ACMG Guidelines, 2015. Collection method: clinical testing. Allele origin: germline. Study: Canadian Open Genetics Repository.